The following is an entry in ClinVar:

ClinVar aggregate classification (germline): Conflicting classifications of pathogenicity. Review status: criteria provided, conflicting classifications (1 of 4 stars). 8 submissions from 8 submitters: Uncertain significance (6); Likely benign (2). Last evaluated 2026-01-19.

Conditions:
Birt-Hogg-Dube syndrome 1 (BHD1). Also called: FIBROFOLLICULOMAS WITH TRICHODISCOMAS AND ACROCHORDONS. Identifiers: Orphanet 122, MedGen CN375946, MONDO:0800445, OMIM 135150.
Hereditary cancer-predisposing syndrome. Also called: Hereditary neoplastic syndrome; Neoplastic Syndromes, Hereditary; Hereditary Cancer Syndrome; Tumor predisposition. Identifiers: Orphanet 140162, MedGen C0027672, MeSH D009386, MONDO:0015356.
Birt-Hogg-Dube syndrome. Also called: Birt Hogg Dubé syndrome. Identifiers: Orphanet 122, MedGen C0346010, MONDO:0800444.
Colorectal cancer. Also called: Malignant Colorectal Neoplasm; Colorectal cancer, somatic. Identifiers: MedGen C0346629, MONDO:0005575, OMIM 114500.
17p11.2 microduplication syndrome (PTLS). Also called: CHROMOSOME 17p11.2 DUPLICATION SYNDROME; Potocki-Lupski syndrome; Duplication 17p11.2 syndrome; Potocki-Lupski syndrome (dup(17)(p11.2p11.2)). Identifiers: Orphanet 1713, MedGen C2931246, MONDO:0012574, OMIM 610883.
Nonpapillary renal cell carcinoma. Identifiers: Orphanet 422526, MedGen CN074294, MONDO:0007763, OMIM 144700.
Familial spontaneous pneumothorax (PSP). Identifiers: Orphanet 2903, MedGen C1868193, MONDO:0008259, OMIM 173600.

Allele frequency attached by ClinVar (database versions not stated): TOPMed 0.00007; 1000 Genomes Project 30x 0.00016; 1000 Genomes Project 0.00020.
gnomAD v4.1: 14 of 1,613,972 alleles (0.00087%); highest among the groups gnomAD compares: Middle Eastern, 0.016%; no homozygotes.

Submissions (8):

Labcorp Genetics (formerly Invitae), Labcorp
Classification: Uncertain significance for Birt-Hogg-Dube syndrome. Last evaluated: 2026-01-19. Review status: criteria provided, single submitter. Criteria: Invitae Variant Classification Sherloc (09022015). Collection method: clinical testing. Allele origin: germline.
Comment: This sequence change replaces alanine, which is neutral and non-polar, with valine, which is neutral and non-polar, at codon 45 of the FLCN protein (p.Ala45Val). This variant is present in population databases (rs556510460, gnomAD 0.01%). This missense change has been observed in individual(s) with end‐stage kidney disease (PMID: 36177613). ClinVar contains an entry for this variant (Variation ID: 485613). An algorithm developed to predict the effect of missense changes on protein structure and function outputs the following: PolyPhen-2: "Benign". The valine amino acid residue is found in multiple mammalian species, which suggests that this missense change does not adversely affect protein function. In summary, the available evidence is currently insufficient to determine the role of this variant in disease. Therefore, it has been classified as a Variant of Uncertain Significance.

Myriad Genetics, Inc.
Classification: Likely benign for Birt-Hogg-Dube syndrome 1. Last evaluated: 2024-08-08. Review status: criteria provided, single submitter. Criteria: Myriad Autosomal Dominant, Autosomal Recessive and X-Linked Classification Criteria (2023). Collection method: clinical testing. Allele origin: unknown.
Comment: This variant is considered likely benign. This variant has been observed at a population frequency that is significantly greater than expected given the associated disease prevalence and penetrance.

Baylor Genetics
Classification: Uncertain significance for Birt-Hogg-Dube syndrome 1. Last evaluated: 2023-05-24. Review status: criteria provided, single submitter. Criteria: ACMG Guidelines, 2015. Collection method: clinical testing. Allele origin: unknown.

Ambry Genetics
Classification: Likely benign for Hereditary cancer-predisposing syndrome. Last evaluated: 2022-09-06. Review status: criteria provided, single submitter. Criteria: Ambry Variant Classification Scheme 2023. Collection method: clinical testing. Allele origin: germline.

GeneDx
Classification: Uncertain significance. Last evaluated: 2022-04-26. Review status: criteria provided, single submitter. Criteria: GeneDx Variant Classification Process June 2021. Collection method: clinical testing. Allele origin: germline. Affected: yes.
Comment: In silico analysis supports that this missense variant does not alter protein structure/function; Has not been previously published as pathogenic or benign to our knowledge

Fulgent Genetics
Classification: Uncertain significance for Colorectal cancer; Birt-Hogg-Dube syndrome 1; Nonpapillary renal cell carcinoma; Familial spontaneous pneumothorax; 17p11.2 microduplication syndrome. Last evaluated: 2022-03-26. Review status: criteria provided, single submitter. Criteria: ACMG Guidelines, 2015. Collection method: clinical testing. Allele origin: unknown.

Institute for Clinical Genetics, University Hospital TU Dresden, University Hospital TU Dresden
Classification: Uncertain significance. Last evaluated: 2021-11-03. Review status: criteria provided, single submitter. Criteria: ACMG Guidelines, 2015. Collection method: clinical testing. Allele origin: germline.

CeGaT Center for Human Genetics Tuebingen
Classification: Uncertain significance. Last evaluated: 2020-02-01. Review status: criteria provided, single submitter. Criteria: CeGaT Center For Human Genetics Tuebingen Variant Classification Criteria Version 2. Collection method: clinical testing. Allele origin: germline. Affected: yes. Observed: 2 variant alleles.

Literature cited by the submitters: PubMed 36177613 (cited by Labcorp Genetics (formerly Invitae), Labcorp).

NM_144997.7(FLCN):c.134C>T (p.Ala45Val)

Gene: FLCN (folliculin; minus strand). Cytogenetic location: 17p11.2.
Variant type: single nucleotide variant.
Coding change: c.134C>T on transcript NM_144997.7 (MANE Select); coding-DNA position 134, C replaced by T.
Protein change: p.Ala45Val; replaces alanine 45 with valine.
Molecular consequence: missense variant.
Genome position (GRCh38, 1-based): chr17:17,228,004, G>A on the plus strand (C>T on the coding strand, the complement: FLCN is on the minus strand). VCF-style: chr17-17228004-G-A. GRCh37 (hg19) VCF-style: chr17-17131318-G-A.
Other names: c.134C>T (LRG_325t1); c.134C>T, p.Ala45Val (NM_001353229.2, NM_001353230.2, NM_001353231.2 and 1 more transcripts); short protein forms A45V.
Identifiers: ClinVar variation 485613 (VCV000485613.55), dbSNP rs556510460, ClinGen allele CA8416512.